The following is an entry in ClinVar:

NM_007255.3(B4GALT7):c.46G>C (p.Gly16Arg)

Genes: B4GALT7 (beta-1,4-galactosyltransferase 7; plus strand), LOC129995400 (ATAC-STARR-seq lymphoblastoid silent region 16704; plus strand). Cytogenetic location: 5q35.3.
Variant type: single nucleotide variant.
Coding change: c.46G>C on transcript NM_007255.3 (MANE Select); coding-DNA position 46, G replaced by C.
Protein change: p.Gly16Arg; replaces glycine 16 with arginine.
Molecular consequence: missense variant.
Genome position (GRCh38, 1-based): chr5:177,600,256, G>C. VCF-style: chr5-177600256-G-C. GRCh37 (hg19) VCF-style: chr5-177027257-G-C.
Other names: short protein forms G16R.
Identifiers: ClinVar variation 1176500 (VCV001176500.39), dbSNP rs1391741493, ClinGen allele CA362371615.

ClinVar aggregate classification (germline): Uncertain significance. Review status: criteria provided, multiple submitters, no conflicts (2 of 4 stars). 2 submissions from 2 submitters: Uncertain significance (2). Last evaluated 2024-09-01.

Conditions:
Spondylodysplastic Ehlers-Danlos syndrome. Identifiers: Orphanet 536471, Orphanet 75496, MedGen C5680154, MONDO:0007526.

gnomAD v4.1: 3 of 1,362,674 alleles (0.00022%); highest among the groups gnomAD compares: Admixed American, 0.003%; no homozygotes.

Submissions (2):

CeGaT Center for Human Genetics Tuebingen
Classification: Uncertain significance. Last evaluated: 2024-09-01. Review status: criteria provided, single submitter. Criteria: CeGaT Center For Human Genetics Tuebingen Variant Classification Criteria Version 2. Collection method: clinical testing. Allele origin: germline. Affected: yes. Observed: 2 variant alleles.
Comment: B4GALT7: PM2

Labcorp Genetics (formerly Invitae), Labcorp
Classification: Uncertain significance for Spondylodysplastic Ehlers-Danlos syndrome. Last evaluated: 2024-01-19. Review status: criteria provided, single submitter. Criteria: Invitae Variant Classification Sherloc (09022015). Collection method: clinical testing. Allele origin: germline.
Comment: This sequence change replaces glycine, which is neutral and non-polar, with arginine, which is basic and polar, at codon 16 of the B4GALT7 protein (p.Gly16Arg). This variant is not present in population databases (gnomAD no frequency). This variant has not been reported in the literature in individuals affected with B4GALT7-related conditions. ClinVar contains an entry for this variant (Variation ID: 1176500). An algorithm developed to predict the effect of missense changes on protein structure and function (PolyPhen-2) suggests that this variant is likely to be tolerated. In summary, the available evidence is currently insufficient to determine the role of this variant in disease. Therefore, it has been classified as a Variant of Uncertain Significance.